The following is an entry in ClinVar:

ClinVar aggregate classification (germline): Likely pathogenic. Review status: criteria provided, single submitter (1 of 4 stars). 2 submissions from 1 submitter: Likely pathogenic (1). 1 of the submissions does not count toward it. Last evaluated 2018-10-24.

Conditions:
Retinitis pigmentosa 3. Also called: CHOROIDORETINAL DEGENERATION WITH RETINAL REFLEX IN HETEROZYGOUS WOMEN. Identifiers: Orphanet 791, MedGen C1845667, MONDO:0010227, OMIM 300029.
Retinal dystrophy. Also called: Inherited retinal dystrophy. Identifiers: Orphanet 71862, MedGen C0854723, MeSH D058499, MONDO:0019118, HP:0000556.

Submissions (2):

Blueprint Genetics
Classification: Likely pathogenic for Retinal dystrophy. Last evaluated: 2018-10-24. Review status: criteria provided, single submitter. Criteria: Blueprint Genetics Variant Classification Scheme. Collection method: clinical testing. Allele origin: germline. Affected: yes.

Blueprint Genetics
Classification: Likely pathogenic for Retinitis pigmentosa 3. Review status: no assertion criteria provided. Collection method: clinical testing. Allele origin: germline. Affected: yes. Not counted in ClinVar's aggregate classification.

NM_001034853.2(RPGR):c.2251A>T (p.Lys751Ter)

Gene: RPGR (retinitis pigmentosa GTPase regulator; minus strand). Cytogenetic location: Xp11.4.
Variant type: single nucleotide variant.
Coding change: c.2251A>T on transcript NM_001034853.2 (MANE Select); coding-DNA position 2251, A replaced by T.
Protein change: p.Lys751Ter; replaces lysine 751 with a stop codon.
Molecular consequence: nonsense. On other transcripts: intron variant (8).
Genome position (GRCh38, 1-based): chrX:38,286,748, T>A on the plus strand (A>T on the coding strand, the complement: RPGR is on the minus strand). VCF-style: chrX-38286748-T-A. GRCh37 (hg19) VCF-style: chrX-38146001-T-A.
Other names: c.1569+4211A>T (NM_001367249.1, NM_001367250.1); c.1902+346A>T (NM_001367245.1); c.1386+4211A>T (NM_001367251.1); c.1719+346A>T (NM_001367246.1); c.1572+4211A>T (NM_001367247.1); c.1905+346A>T (NM_000328.3); c.1602+4211A>T (NM_001367248.1); short protein forms K751*.
Identifiers: ClinVar variation 865796 (VCV000865796.2), dbSNP rs2067188111, ClinGen allele CA412731083.